The following is an entry in ClinVar:

NM_001130987.2(DYSF):c.1329C>A (p.Asn443Lys)

Gene: DYSF (dysferlin; plus strand). Cytogenetic location: 2p13.2.
Variant type: single nucleotide variant.
Coding change: c.1329C>A on transcript NM_001130987.2 (MANE Select); coding-DNA position 1329, C replaced by A.
Protein change: p.Asn443Lys; replaces asparagine 443 with lysine.
Molecular consequence: missense variant.
Genome position (GRCh38, 1-based): chr2:71,528,350, C>A. VCF-style: chr2-71528350-C-A. GRCh37 (hg19) VCF-style: chr2-71755480-C-A.
Other names: p.Asn411Lys; c.1236C>A, p.Asn412Lys (NM_001130455.2, NM_001130983.2, NM_001130984.2 and 1 more transcripts); c.1233C>A, p.Asn411Lys (NM_001130976.2, NM_001130977.2, NM_001130978.2 and 1 more transcripts); c.1326C>A, p.Asn442Lys (NM_001130979.2, NM_001130980.2, NM_001130981.2); c.1329C>A, p.Asn443Lys (NM_001130982.2, NM_001130985.2); short protein forms N411K, N443K, N412K, N442K.
Identifiers: ClinVar variation 291123 (VCV000291123.22), dbSNP rs143355224, ClinGen allele CA1705704.
Genomic context (GRCh38, chr2:71,528,350, plus strand): 5'-CTTCCCAGTGGACGATGCCGTGATGGACAACGTGAAACAGATCTTTGGCTTCGAGAGTAA[C>A]AAGAAGAACTTGGTGGACCCCTTTGTGGAGGTCAGCTTTGCGGGGAAAATGGTAAGGAGC-3'
Protein context (NP_001124459.1, residues 433-453): NVKQIFGFES[Asn443Lys]KKNLVDPFVE

ClinVar aggregate classification (germline): Conflicting classifications of pathogenicity. Review status: criteria provided, conflicting classifications (1 of 4 stars). 7 submissions from 7 submitters: Uncertain significance (6); Likely benign (1). Last evaluated 2025-12-21.

Conditions:
Inborn genetic diseases. Identifiers: MedGen C0950123, MeSH D030342.
Neuromuscular disease caused by qualitative or quantitative defects of dysferlin. Also called: Dysferlinopathy; Qualitative or quantitative defects of dysferlin. Identifiers: Orphanet 207073, MedGen C2931687, MONDO:0016145.

Allele frequency attached by ClinVar (database versions not stated): gnomAD 0.00006 and 0.00007; TOPMed 0.00006; gnomAD exomes 0.00007; ExAC 0.00009; ESP Exome Variant Server 0.00031.
gnomAD v4.1: 88 of 1,614,070 alleles (0.0055%); highest among the groups gnomAD compares: Non-Finnish European, 0.0069%; no homozygotes.

Submissions (7):

Labcorp Genetics (formerly Invitae), Labcorp
Classification: Likely benign for Neuromuscular disease caused by qualitative or quantitative defects of dysferlin. Last evaluated: 2025-12-21. Review status: criteria provided, single submitter. Criteria: Invitae Variant Classification Sherloc (09022015). Collection method: clinical testing. Allele origin: germline.

Ambry Genetics
Classification: Uncertain significance for Inborn genetic diseases. Last evaluated: 2025-10-23. Review status: criteria provided, single submitter. Criteria: Ambry Variant Classification Scheme 2023. Collection method: clinical testing. Allele origin: germline.

GeneDx
Classification: Uncertain significance. Last evaluated: 2024-08-07. Review status: criteria provided, single submitter. Criteria: GeneDx Variant Classification Process June 2021. Collection method: clinical testing. Allele origin: germline. Affected: yes.
Comment: Not observed at significant frequency in large population cohorts (gnomAD); In silico analysis supports that this missense variant has a deleterious effect on protein structure/function; Has not been previously published as pathogenic or benign to our knowledge; This variant is associated with the following publications: (PMID: 24438169)

Blueprint Genetics
Classification: Uncertain significance. Last evaluated: 2024-06-10. Review status: criteria provided, single submitter. Criteria: ACMG Guidelines, 2015. Collection method: clinical testing. Allele origin: germline.

Mayo Clinic Laboratories, Mayo Clinic
Classification: Uncertain significance. Last evaluated: 2024-01-03. Review status: criteria provided, single submitter. Criteria: ACMG Guidelines, 2015. Collection method: clinical testing. Allele origin: germline. Observed: 1 variant allele.

Revvity Omics, Revvity
Classification: Uncertain significance. Last evaluated: 2021-02-18. Review status: criteria provided, single submitter. Criteria: ACMG Guidelines, 2015. Collection method: clinical testing. Allele origin: germline.

Eurofins Ntd Llc (ga)
Classification: Uncertain significance. Last evaluated: 2018-04-24. Review status: criteria provided, single submitter. Criteria: EGL ClinVar v180209 classification definitions. Collection method: clinical testing. Allele origin: germline. Observed: 2 variant alleles, 2 heterozygotes.